The following is an entry in ClinVar:

ClinVar aggregate classification (germline): Pathogenic (1 of 4 stars; one submission).

Conditions:
LAMB2-related infantile-onset nephrotic syndrome. Also called: Nephrotic Syndrome, type 5; NEPHROTIC SYNDROME, TYPE 5, WITHOUT OCULAR ABNORMALITIES; NEPHROTIC SYNDROME, TYPE 5, WITH OCULAR ABNORMALITIES. Identifiers: Orphanet 306507, MedGen C3280113, MONDO:0013621, OMIM 614199.
Pierson syndrome. Also called: MICROCORIA-CONGENITAL NEPHROTIC SYNDROME. Identifiers: Orphanet 2670, MedGen C1836876, MONDO:0012184, OMIM 609049.

Submission:

Labcorp Genetics (formerly Invitae), Labcorp
Classification: Pathogenic for LAMB2-related infantile-onset nephrotic syndrome; Pierson syndrome. Last evaluated: 2022-06-07. Review status: criteria provided, single submitter. Criteria: Invitae Variant Classification Sherloc (09022015). Collection method: clinical testing. Allele origin: germline.
Comment: This sequence change creates a premature translational stop signal (p.His750Glnfs*2) in the LAMB2 gene. It is expected to result in an absent or disrupted protein product. Loss-of-function variants in LAMB2 are known to be pathogenic (PMID: 15367484). This variant is not present in population databases (gnomAD no frequency). This variant has not been reported in the literature in individuals affected with LAMB2-related conditions. For these reasons, this variant has been classified as Pathogenic.

Literature cited by the submitters: PubMed 15367484.

NM_002292.4(LAMB2):c.2249dup (p.His750fs)

Gene: LAMB2 (laminin subunit beta 2; minus strand). Cytogenetic location: 3p21.31.
Variant type: Duplication.
Coding change: c.2249dup on transcript NM_002292.4 (MANE Select); coding-DNA position 2249, one base duplicated (A; older notation c.2249dupA).
Protein change: p.His750fs; shifts the reading frame from histidine 750.
Molecular consequence: frameshift variant.
Genome position (GRCh38, 1-based): chr3:49,126,062, T duplicated on the plus strand (A on the coding strand, the reverse complement: LAMB2 is on the minus strand). VCF-style (leftmost placement, unchanged base first): chr3-49126061-A-AT. GRCh37 (hg19) VCF-style: chr3-49163494-A-AT.
Other names: short protein forms H750fs.
Identifiers: ClinVar variation 2002665 (VCV002002665.4), dbSNP rs2472544213, ClinGen allele CA2580070047.